The following is an entry in ClinVar:

NM_004448.4(ERBB2):c.1133C>T (p.Pro378Leu)

Gene: ERBB2 (erb-b2 receptor tyrosine kinase 2; plus strand). Cytogenetic location: 17q12.
Variant type: single nucleotide variant.
Coding change: c.1133C>T on transcript NM_004448.4 (MANE Select); coding-DNA position 1133, C replaced by T.
Protein change: p.Pro378Leu; replaces proline 378 with leucine.
Molecular consequence: missense variant. On other transcripts: non-coding transcript variant (1).
Genome position (GRCh38, 1-based): chr17:39,712,433, C>T. VCF-style: chr17-39712433-C-T. GRCh37 (hg19) VCF-style: chr17-37868686-C-T.
Other names: c.1043C>T, p.Pro348Leu (NM_001005862.3, NM_001289938.2, NM_001382782.1 and 1 more transcripts); c.1088C>T, p.Pro363Leu (NM_001289936.2); c.1133C>T, p.Pro378Leu (NM_001289937.2, NM_001382784.1, NM_001382785.1 and 16 more transcripts); c.1208C>T, p.Pro403Leu (NM_001382787.1); c.1124C>T, p.Pro375Leu (NM_001382791.1); c.953C>T, p.Pro318Leu (NM_001382799.1); c.875C>T, p.Pro292Leu (NM_001382802.1); c.305C>T, p.Pro102Leu (NM_001382804.1); short protein forms P102L, P292L, P348L, P318L, P375L, P378L, P363L, P403L.
Identifiers: ClinVar variation 1436810 (VCV001436810.6), dbSNP rs758210687, ClinGen allele CA8533869.
Genomic context (GRCh38, chr17:39,712,433, plus strand): 5'-GTGCCAATATCCAGGAGTTTGCTGGCTGCAAGAAGATCTTTGGGAGCCTGGCATTTCTGC[C>T]GGAGAGCTTTGATGGGTAAGAGTGGGCACGATGACCTGAGACAGTGTCAGGGCAGACAGA-3'
Protein context (NP_004439.2, residues 368-388): KKIFGSLAFL[Pro378Leu]ESFDGDPASN

ClinVar aggregate classification (germline): Uncertain significance (1 of 4 stars; one submission).

Allele frequency attached by ClinVar (database versions not stated): gnomAD exomes 0.00002 and 0.00004; TOPMed 0.00002; gnomAD 0.00003; ExAC 0.00006.
gnomAD v4.1: 31 of 1,613,674 alleles (0.0019%); highest among the groups gnomAD compares: East Asian, 0.016%; no homozygotes.

Submission:

Labcorp Genetics (formerly Invitae), Labcorp
Classification: Uncertain significance. Last evaluated: 2021-08-22. Review status: criteria provided, single submitter. Criteria: Invitae Variant Classification Sherloc (09022015). Collection method: clinical testing. Allele origin: germline.
Comment: This sequence change replaces proline with leucine at codon 378 of the ERBB2 protein (p.Pro378Leu). The proline residue is weakly conserved and there is a moderate physicochemical difference between proline and leucine. This variant is present in population databases (rs758210687, ExAC 0.02%). This variant has not been reported in the literature in individuals affected with ERBB2-related conditions. Algorithms developed to predict the effect of missense changes on protein structure and function (SIFT, PolyPhen-2, Align-GVGD) all suggest that this variant is likely to be tolerated. In summary, the available evidence is currently insufficient to determine the role of this variant in disease. Therefore, it has been classified as a Variant of Uncertain Significance.